The following is an entry in ClinVar:

ClinVar aggregate classification (germline): Benign/Likely benign. Review status: criteria provided, multiple submitters, no conflicts (2 of 4 stars). 9 submissions from 9 submitters: Benign (3); Likely benign (3). 3 of the submissions do not count toward it. Last evaluated 2026-02-04.

Conditions:
ABCA4-related disorder. Also called: ABCA4-related disorders; ABCA4-related condition. Identifiers: MedGen CN239167.

Allele frequency attached by ClinVar (database versions not stated): 1000 Genomes Project 0.01178; 1000 Genomes Project 30x 0.01312; TOPMed 0.02025; ESP Exome Variant Server 0.02560.
gnomAD v4.1: 49,950 of 1,614,092 alleles (3.1%); highest among the groups gnomAD compares: Non-Finnish European, 3.7%; 920 homozygotes.

Submissions (9):

Labcorp Genetics (formerly Invitae), Labcorp
Classification: Benign. Last evaluated: 2026-02-04. Review status: criteria provided, single submitter. Criteria: Invitae Variant Classification Sherloc (09022015). Collection method: clinical testing. Allele origin: germline.

Blueprint Genetics
Classification: Likely benign. Last evaluated: 2024-11-26. Review status: criteria provided, single submitter. Criteria: ACMG Guidelines, 2015. Collection method: clinical testing. Allele origin: germline.

Illumina Laboratory Services, Illumina
Classification: Likely benign for ABCA4-Related Disorders. Last evaluated: 2017-04-27. Review status: criteria provided, single submitter. Criteria: ICSL Variant Classification Criteria 13 December 2019. Collection method: clinical testing. Allele origin: germline.
Comment: This variant was observed as part of a predisposition screen in an ostensibly healthy population. A literature search was performed for the gene, cDNA change, and amino acid change (where applicable). No publications were found based on this search. Allele frequency data from public databases allowed determination this variant is unlikely to cause disease. Therefore, this variant is classified as likely benign.

GeneDx
Classification: Benign. Last evaluated: 2011-07-14. Review status: criteria provided, single submitter. Criteria: GeneDx Variant Classification (06012015). Collection method: clinical testing. Allele origin: germline. Affected: yes.
Comment: This variant is considered likely benign or benign based on one or more of the following criteria: it is a conservative change, it occurs at a poorly conserved position in the protein, it is predicted to be benign by multiple in silico algorithms, and/or has population frequency not consistent with disease.

Breakthrough Genomics
Classification: Likely benign. Review status: criteria provided, single submitter. Criteria: ACMG Guidelines, 2015. Collection method: not provided. Allele origin: germline. Inheritance: Autosomal recessive inheritance. Affected: yes.

PreventionGenetics, part of Exact Sciences
Classification: Benign. Review status: criteria provided, single submitter. Criteria: ACMG Guidelines, 2015. Collection method: clinical testing. Allele origin: germline.

Clinical Genetics DNA and cytogenetics Diagnostics Lab, Erasmus MC, Erasmus Medical Center
Classification: Benign. Review status: no assertion criteria provided. Collection method: clinical testing. Allele origin: germline. Affected: yes. Study: VKGL Data-share Consensus. Not counted in ClinVar's aggregate classification.

Joint Genome Diagnostic Labs from Nijmegen and Maastricht, Radboudumc and MUMC+
Classification: Benign. Review status: no assertion criteria provided. Collection method: clinical testing. Allele origin: germline. Affected: yes. Study: VKGL Data-share Consensus. Not counted in ClinVar's aggregate classification.

Retina International
No classification provided. Review status: no classification provided. Collection method: not provided. Allele origin: not provided. Not counted in ClinVar's aggregate classification.

NM_000350.3(ABCA4):c.4203C>A (p.Pro1401=)

Gene: ABCA4 (ATP binding cassette subfamily A member 4; minus strand). Cytogenetic location: 1p22.1.
Variant type: single nucleotide variant.
Coding change: c.4203C>A on transcript NM_000350.3 (MANE Select); coding-DNA position 4203, C replaced by A.
Protein change: p.Pro1401=; no amino-acid change (proline 1401 retained).
Molecular consequence: synonymous variant.
Genome position (GRCh38, 1-based): chr1:94,031,046, G>T on the plus strand (C>A on the coding strand, the complement: ABCA4 is on the minus strand). VCF-style: chr1-94031046-G-T. GRCh37 (hg19) VCF-style: chr1-94496602-G-T.
Other names: p.P1401P:CCC>CCA; c.3981C>A, p.Pro1327= (NM_001425324.1).
Identifiers: ClinVar variation 99258 (VCV000099258.20), dbSNP rs1801666, ClinGen allele CA285817.